The following is an entry in ClinVar:

NM_022436.3(ABCG5):c.897C>T (p.Asp299=)

Genes: ABCG5 (ATP binding cassette subfamily G member 5; minus strand), DYNC2LI1 (dynein cytoplasmic 2 light intermediate chain 1; plus strand). Cytogenetic location: 2p21.
Variant type: single nucleotide variant.
Coding change: c.897C>T on transcript NM_022436.3 (MANE Select); coding-DNA position 897, C replaced by T.
Protein change: p.Asp299=; no amino-acid change (aspartic acid 299 retained).
Molecular consequence: synonymous variant. On other transcripts: intron variant (2).
Genome position (GRCh38, 1-based): chr2:43,824,896, G>A on the plus strand (C>T on the coding strand, the complement: ABCG5 is on the minus strand). VCF-style: chr2-43824896-G-A. GRCh37 (hg19) VCF-style: chr2-44052035-G-A.
Other names: c.*16-2490G>A (NM_001348913.2, NM_001348912.2).
Identifiers: ClinVar variation 500961 (VCV000500961.44), dbSNP rs373237261, ClinGen allele CA1636478.

ClinVar aggregate classification (germline): Benign/Likely benign. Review status: criteria provided, multiple submitters, no conflicts (2 of 4 stars). 9 submissions from 9 submitters: Benign (2); Likely benign (6). 1 of the submissions does not count toward it. Last evaluated 2026-01-12.

Conditions:
Cardiovascular phenotype. Identifiers: MedGen CN230736.
ABCG5-related disorder. Also called: ABCG5-related condition.
Sitosterolemia (STSL). Also called: PHYTOSTEROLEMIA. Identifiers: Orphanet 2882, MedGen C0342907, MONDO:0008863.

Allele frequency attached by ClinVar (database versions not stated): gnomAD exomes 0.00062 and 0.00113; 1000 Genomes Project 30x 0.00125; gnomAD 0.00020 and 0.00036; 1000 Genomes Project 0.00140; ESP Exome Variant Server 0.00015; TOPMed 0.00032; ExAC 0.00114.
gnomAD v4.1: 965 of 1,613,968 alleles (0.06%); highest among the groups gnomAD compares: South Asian, 0.72%; 8 homozygotes.

Submissions (9):

Labcorp Genetics (formerly Invitae), Labcorp
Classification: Benign for Sitosterolemia. Last evaluated: 2026-01-12. Review status: criteria provided, single submitter. Criteria: Invitae Variant Classification Sherloc (09022015). Collection method: clinical testing. Allele origin: germline.

CeGaT Center for Human Genetics Tuebingen
Classification: Likely benign. Last evaluated: 2025-09-01. Review status: criteria provided, single submitter. Criteria: CeGaT Center For Human Genetics Tuebingen Variant Classification Criteria Version 2. Collection method: clinical testing. Allele origin: germline. Affected: yes. Observed: 4 variant alleles.
Comment: ABCG5: BP4, BP7

Blueprint Genetics
Classification: Likely benign. Last evaluated: 2024-11-08. Review status: criteria provided, single submitter. Criteria: ACMG Guidelines, 2015. Collection method: clinical testing. Allele origin: germline.

Women's Health and Genetics/Laboratory Corporation of America, LabCorp
Classification: Likely benign. Last evaluated: 2023-07-18. Review status: criteria provided, single submitter. Criteria: LabCorp Variant Classification Summary - May 2015. Collection method: clinical testing. Allele origin: germline.

Genetic Services Laboratory, University of Chicago
Classification: Likely benign. Last evaluated: 2020-04-22. Review status: criteria provided, single submitter. Criteria: ACMG Guidelines, 2015. Collection method: clinical testing. Allele origin: germline. Affected: no.

Ambry Genetics
Classification: Likely benign for Cardiovascular phenotype. Last evaluated: 2019-09-06. Review status: criteria provided, single submitter. Criteria: Ambry Variant Classification Scheme 2023. Collection method: clinical testing. Allele origin: germline.

Eurofins Ntd Llc (ga)
Classification: Benign. Last evaluated: 2017-03-21. Review status: criteria provided, single submitter. Criteria: EGL Classification Definitions 2015. Collection method: clinical testing. Allele origin: germline. Observed: 1 variant allele, 1 heterozygote.

Breakthrough Genomics
Classification: Likely benign. Review status: criteria provided, single submitter. Criteria: ACMG Guidelines, 2015. Collection method: not provided. Allele origin: germline. Inheritance: Autosomal recessive inheritance. Affected: yes.

PreventionGenetics, part of Exact Sciences
Classification: Benign for ABCG5-related condition. Last evaluated: 2019-12-06. Review status: no assertion criteria provided. Collection method: clinical testing. Allele origin: germline. Not counted in ClinVar's aggregate classification.
Comment: This variant is classified as benign based on ACMG/AMP sequence variant interpretation guidelines (Richards et al. 2015 PMID: 25741868, with internal and published modifications).